The following is an entry in ClinVar:

ClinVar aggregate classification (germline): Uncertain significance (1 of 4 stars; one submission).

Conditions:
Joubert syndrome. Also called: CEREBELLOPARENCHYMAL DISORDER IV; JOUBERT-BOLTSHAUSER SYNDROME; Familial aplasia of the vermis. Identifiers: Orphanet 475, MedGen C5979921, MONDO:0018772.

gnomAD v4.1: 2 of 1,560,960 alleles (0.00013%); highest among the groups gnomAD compares: Non-Finnish European, 0.00017%; no homozygotes.

Submission:

Labcorp Genetics (formerly Invitae), Labcorp
Classification: Uncertain significance for Joubert syndrome. Last evaluated: 2021-09-03. Review status: criteria provided, single submitter. Criteria: Invitae Variant Classification Sherloc (09022015). Collection method: clinical testing. Allele origin: germline.
Comment: Advanced modeling of protein sequence and biophysical properties (such as structural, functional, and spatial information, amino acid conservation, physicochemical variation, residue mobility, and thermodynamic stability) performed at Invitae indicates that this missense variant is expected to disrupt AHI1 protein function. This variant has not been reported in the literature in individuals affected with AHI1-related conditions. This variant is not present in population databases (ExAC no frequency). This sequence change replaces alanine with threonine at codon 475 of the AHI1 protein (p.Ala475Thr). The alanine residue is moderately conserved and there is a small physicochemical difference between alanine and threonine. In summary, the available evidence is currently insufficient to determine the role of this variant in disease. Therefore, it has been classified as a Variant of Uncertain Significance.

NM_001134831.2(AHI1):c.1423G>A (p.Ala475Thr)

Gene: AHI1 (Abelson helper integration site 1; minus strand). Cytogenetic location: 6q23.3.
Variant type: single nucleotide variant.
Coding change: c.1423G>A on transcript NM_001134831.2 (MANE Select); coding-DNA position 1423, G replaced by A.
Protein change: p.Ala475Thr; replaces alanine 475 with threonine.
Molecular consequence: missense variant.
Genome position (GRCh38, 1-based): chr6:135,453,358, C>T on the plus strand (G>A on the coding strand, the complement: AHI1 is on the minus strand). VCF-style: chr6-135453358-C-T. GRCh37 (hg19) VCF-style: chr6-135774496-C-T.
Other names: c.1423G>A, p.Ala475Thr (NM_001134830.2, NM_001134832.2, NM_001350503.2 and 2 more transcripts); short protein forms A475T.
Identifiers: ClinVar variation 1465655 (VCV001465655.6), dbSNP rs1416049863, ClinGen allele CA365746156.